The following is an entry in ClinVar:

ClinVar aggregate classification (germline): Uncertain significance. Review status: criteria provided, multiple submitters, no conflicts (2 of 4 stars). 2 submissions from 2 submitters: Uncertain significance (2). Last evaluated 2026-07-29.

Conditions:
Gorlin syndrome. Also called: Nevoid Basal Cell Carcinoma Syndrome; Basal cell nevus syndrome. Identifiers: Orphanet 377, MedGen C0004779, MONDO:0007187.
Hereditary cancer-predisposing syndrome. Also called: Hereditary Cancer Syndrome; Hereditary neoplastic syndrome; Neoplastic Syndromes, Hereditary; Tumor predisposition. Identifiers: Orphanet 140162, MedGen C0027672, MeSH D009386, MONDO:0015356.

Submissions (2):

Ambry Genetics
Classification: Uncertain significance for Hereditary cancer-predisposing syndrome. Last evaluated: 2026-07-29. Review status: criteria provided, single submitter. Criteria: Ambry Variant Classification Scheme 2023. Collection method: clinical testing. Allele origin: germline.
Comment: The p.E1428K variant (also known as c.4282G>A), located in coding exon 23 of the PTCH1 gene, results from a G to A substitution at nucleotide position 4282. The glutamic acid at codon 1428 is replaced by lysine, an amino acid with similar properties. This amino acid position is conserved. In addition, this alteration is predicted to be deleterious by in silico analysis. Based on the available evidence, the clinical significance of this variant remains unclear.

Labcorp Genetics (formerly Invitae), Labcorp
Classification: Uncertain significance for Gorlin syndrome. Last evaluated: 2023-04-16. Review status: criteria provided, single submitter. Criteria: Invitae Variant Classification Sherloc (09022015). Collection method: clinical testing. Allele origin: germline.
Comment: This variant has not been reported in the literature in individuals affected with PTCH1-related conditions. This variant is not present in population databases (gnomAD no frequency). This sequence change replaces glutamic acid, which is acidic and polar, with lysine, which is basic and polar, at codon 1428 of the PTCH1 protein (p.Glu1428Lys). In summary, the available evidence is currently insufficient to determine the role of this variant in disease. Therefore, it has been classified as a Variant of Uncertain Significance. Advanced modeling of protein sequence and biophysical properties (such as structural, functional, and spatial information, amino acid conservation, physicochemical variation, residue mobility, and thermodynamic stability) performed at Invitae indicates that this missense variant is not expected to disrupt PTCH1 protein function.

NM_000264.5(PTCH1):c.4282G>A (p.Glu1428Lys)

Gene: PTCH1 (patched 1; minus strand). Cytogenetic location: 9q22.32.
Variant type: single nucleotide variant.
Coding change: c.4282G>A on transcript NM_000264.5 (MANE Select); coding-DNA position 4282, G replaced by A.
Protein change: p.Glu1428Lys; replaces glutamic acid 1428 with lysine.
Molecular consequence: missense variant. On other transcripts: non-coding transcript variant (1).
Genome position (GRCh38, 1-based): chr9:95,446,974, C>T on the plus strand (G>A on the coding strand, the complement: PTCH1 is on the minus strand). VCF-style: chr9-95446974-C-T. GRCh37 (hg19) VCF-style: chr9-98209256-C-T.
Other names: c.4084G>A, p.Glu1362Lys (NM_001083602.3); c.4279G>A, p.Glu1427Lys (NM_001083603.3); c.3829G>A, p.Glu1277Lys (NM_001083604.3, NM_001083605.3, NM_001083606.3 and 1 more transcripts); c.4126G>A, p.Glu1376Lys (NM_001354918.2); short protein forms E1277K, E1362K, E1427K, E1428K, E1376K.
Identifiers: ClinVar variation 3009144 (VCV003009144.5), dbSNP rs2136571420, ClinGen allele CA374109965.